The following is an entry in ClinVar:

NM_003242.6(TGFBR2):c.1492C>G (p.Pro498Ala)

Gene: TGFBR2 (transforming growth factor beta receptor 2; plus strand). Cytogenetic location: 3p24.1.
Variant type: single nucleotide variant.
Coding change: c.1492C>G on transcript NM_003242.6 (MANE Select); coding-DNA position 1492, C replaced by G.
Protein change: p.Pro498Ala; replaces proline 498 with alanine.
Molecular consequence: missense variant.
Genome position (GRCh38, 1-based): chr3:30,688,479, C>G. VCF-style: chr3-30688479-C-G. GRCh37 (hg19) VCF-style: chr3-30729971-C-G.
Other names: c.1567C>G, p.Pro523Ala (NM_001024847.3); c.1675C>G, p.Pro559Ala (NM_001407126.1); c.1600C>G, p.Pro534Ala (NM_001407127.1); c.1519C>G, p.Pro507Ala (NM_001407128.1); c.1495C>G, p.Pro499Ala (NM_001407129.1); c.1489C>G, p.Pro497Ala (NM_001407130.1); c.1387C>G, p.Pro463Ala (NM_001407132.1, NM_001407133.1, NM_001407134.1 and 2 more transcripts); c.1207C>G, p.Pro403Ala (NM_001407137.1); and 2 more; short protein forms P498A, P523A, P378A, P499A, P403A, P534A, P208A, P463A.
Identifiers: ClinVar variation 477541 (VCV000477541.6), dbSNP rs1553631720, ClinGen allele CA351809392.

ClinVar aggregate classification (germline): Uncertain significance (1 of 4 stars; one submission).

Conditions:
Familial thoracic aortic aneurysm and aortic dissection (TAAD). Also called: Thoracic aortic aneurysms and dissections. Identifiers: Orphanet 91387, MedGen C4707243, MONDO:0019625.

Submission:

Labcorp Genetics (formerly Invitae), Labcorp
Classification: Uncertain significance for Familial thoracic aortic aneurysm and aortic dissection. Last evaluated: 2024-02-21. Review status: criteria provided, single submitter. Criteria: Invitae Variant Classification Sherloc (09022015). Collection method: clinical testing. Allele origin: germline.
Comment: This sequence change replaces proline, which is neutral and non-polar, with alanine, which is neutral and non-polar, at codon 498 of the TGFBR2 protein (p.Pro498Ala). This variant is not present in population databases (gnomAD no frequency). This variant has not been reported in the literature in individuals affected with TGFBR2-related conditions. ClinVar contains an entry for this variant (Variation ID: 477541). Advanced modeling of protein sequence and biophysical properties (such as structural, functional, and spatial information, amino acid conservation, physicochemical variation, residue mobility, and thermodynamic stability) performed at Invitae indicates that this missense variant is expected to disrupt TGFBR2 protein function with a positive predictive value of 95%. In summary, the available evidence is currently insufficient to determine the role of this variant in disease. Therefore, it has been classified as a Variant of Uncertain Significance.